The following is an entry in ClinVar:

ClinVar aggregate classification (germline): Uncertain significance (1 of 4 stars; one submission).

Conditions:
Hereditary cancer-predisposing syndrome. Also called: Tumor predisposition; Hereditary neoplastic syndrome; Hereditary Cancer Syndrome; Neoplastic Syndromes, Hereditary. Identifiers: Orphanet 140162, MedGen C0027672, MeSH D009386, MONDO:0015356.

Submission:

Ambry Genetics
Classification: Uncertain significance for Hereditary cancer-predisposing syndrome. Last evaluated: 2025-04-17. Review status: criteria provided, single submitter. Criteria: Ambry Variant Classification Scheme 2023. Collection method: clinical testing. Allele origin: germline.
Comment: The p.S1055N variant (also known as c.3164G>A), located in coding exon 26 of the POLE gene, results from a G to A substitution at nucleotide position 3164. The serine at codon 1055 is replaced by asparagine, an amino acid with highly similar properties. This amino acid position is conserved. In addition, this alteration is predicted to be tolerated by in silico analysis. Based on the available evidence, the clinical significance of this variant remains unclear.

NM_006231.4(POLE):c.3164G>A (p.Ser1055Asn)

Gene: POLE (DNA polymerase epsilon, catalytic subunit; minus strand). Cytogenetic location: 12q24.33.
Variant type: single nucleotide variant.
Coding change: c.3164G>A on transcript NM_006231.4 (MANE Select); coding-DNA position 3164, G replaced by A.
Protein change: p.Ser1055Asn; replaces serine 1055 with asparagine.
Molecular consequence: missense variant.
Genome position (GRCh38, 1-based): chr12:132,659,406, C>T on the plus strand (G>A on the coding strand, the complement: POLE is on the minus strand). VCF-style: chr12-132659406-C-T. GRCh37 (hg19) VCF-style: chr12-133235992-C-T.
Other names: short protein forms S1055N.
Identifiers: ClinVar variation 3935727 (VCV003935727.1).
Genomic context (GRCh38, chr12:132,659,406, plus strand): 5'-CTCAGCCCTGCATCCTTGACCATCTGGTCTCCCAGGAACTCGGCCAGGCGCTTTGCTGTG[C>T]TGATGGACGTAGACTTCTGCTCCCCGTAATCTTCCAGCTTCCGAGACATGGAACGGTTCT-3'
Protein context (NP_006222.2, residues 1045-1065): DYGEQKSTSI[Ser1055Asn]TAKRLAEFLG